The following is an entry in ClinVar:

ClinVar aggregate classification (germline): Uncertain significance (1 of 4 stars; one submission).

Submission:

GeneDx
Classification: Uncertain significance. Last evaluated: 2022-02-09. Review status: criteria provided, single submitter. Criteria: GeneDx Variant Classification Process June 2021. Collection method: clinical testing. Allele origin: germline. Affected: yes.
Comment: Not observed at significant frequency in large population cohorts (gnomAD); In silico analysis supports that this missense variant has a deleterious effect on protein structure/function; Has not been previously published as pathogenic or benign to our knowledge

NM_002249.6(KCNN3):c.1571G>C (p.Cys524Ser)

Gene: KCNN3 (potassium calcium-activated channel subfamily N member 3; minus strand). Cytogenetic location: 1q21.3.
Variant type: single nucleotide variant.
Coding change: c.1571G>C on transcript NM_002249.6 (MANE Select); coding-DNA position 1571, G replaced by C.
Protein change: p.Cys524Ser; replaces cysteine 524 with serine.
Molecular consequence: missense variant.
Genome position (GRCh38, 1-based): chr1:154,733,022, C>G on the plus strand (G>C on the coding strand, the complement: KCNN3 is on the minus strand). VCF-style: chr1-154733022-C-G. GRCh37 (hg19) VCF-style: chr1-154705498-C-G.
Other names: c.1616G>C, p.Cys539Ser (NM_001204087.2); c.677G>C, p.Cys226Ser (NM_001365837.1); c.632G>C, p.Cys211Ser (NM_001365838.1); c.656G>C, p.Cys219Ser (NM_170782.3); short protein forms C211S, C219S, C226S, C524S, C539S.
Identifiers: ClinVar variation 1700915 (VCV001700915.2), dbSNP rs2101792603, ClinGen allele CA343064379.